The following is an entry in ClinVar:

ClinVar aggregate classification (germline): Uncertain significance. Review status: criteria provided, multiple submitters, no conflicts (2 of 4 stars). 2 submissions from 2 submitters: Uncertain significance (2). Last evaluated 2022-06-27.

Allele frequency attached by ClinVar (database versions not stated): gnomAD 0.00001; ExAC 0.00002; gnomAD exomes 0.00002 and 0.00004; TOPMed 0.00002.
gnomAD v4.1: 25 of 1,613,914 alleles (0.0015%); highest among the groups gnomAD compares: Non-Finnish European, 0.0021%; no homozygotes.

Submissions (2):

GeneDx
Classification: Uncertain significance. Last evaluated: 2022-06-27. Review status: criteria provided, single submitter. Criteria: GeneDx Variant Classification Process June 2021. Collection method: clinical testing. Allele origin: germline. Affected: yes.
Comment: Not observed at significant frequency in large population cohorts (gnomAD); In silico analysis supports that this missense variant does not alter protein structure/function; Has not been previously published as pathogenic or benign to our knowledge

Eurofins Ntd Llc (ga)
Classification: Uncertain significance. Last evaluated: 2014-12-15. Review status: criteria provided, single submitter. Criteria: EGL Classification Definitions 2015. Collection method: clinical testing. Allele origin: germline. Observed: 1 variant allele, 1 heterozygote.

NM_012232.6(CAVIN1):c.157C>G (p.Leu53Val)

Gene: CAVIN1 (caveolae associated protein 1; minus strand). Cytogenetic location: 17q21.2.
Variant type: single nucleotide variant.
Coding change: c.157C>G on transcript NM_012232.6 (MANE Select); coding-DNA position 157, C replaced by G.
Protein change: p.Leu53Val; replaces leucine 53 with valine.
Molecular consequence: missense variant.
Genome position (GRCh38, 1-based): chr17:42,422,941, G>C on the plus strand (C>G on the coding strand, the complement: CAVIN1 is on the minus strand). VCF-style: chr17-42422941-G-C. GRCh37 (hg19) VCF-style: chr17-40574959-G-C.
Other names: short protein forms L53V.
Identifiers: ClinVar variation 193360 (VCV000193360.6), dbSNP rs766972533, ClinGen allele CA238879.